The following is an entry in ClinVar:

ClinVar aggregate classification (germline): Conflicting classifications of pathogenicity. Review status: criteria provided, conflicting classifications (1 of 4 stars). 4 submissions from 4 submitters: Likely pathogenic (2); Uncertain significance (1). 1 of the submissions does not count toward it. Last evaluated 2022-02-28.

Conditions:
LRP6-related disorder. Also called: LRP6-related condition.
Tooth agenesis. Also called: Reduced number of teeth; Decreased number of teeth; Decreased tooth count; Failure of development of some teeth; Fewer teeth than normal; Missing some teeth. Identifiers: MedGen C4024202, HP:0009804, MONDO:0005486.
Tooth agenesis, selective, 7 (STHAG7). Identifiers: Orphanet 99798, MedGen C4225231, MONDO:0014749, OMIM 616724.

Allele frequency attached by ClinVar (database versions not stated): TOPMed below 0.00001; gnomAD 0.00001.
gnomAD v4.1: 1 of 1,613,534 alleles (0.000062%); highest among the groups gnomAD compares: Non-Finnish European, 0.000085%; no homozygotes.

Submissions (4):

Labcorp Genetics (formerly Invitae), Labcorp
Classification: Uncertain significance. Last evaluated: 2022-02-28. Review status: criteria provided, single submitter. Criteria: Invitae Variant Classification Sherloc (09022015). Collection method: clinical testing. Allele origin: germline.
Comment: In summary, the available evidence is currently insufficient to determine the role of this variant in disease. Therefore, it has been classified as a Variant of Uncertain Significance. Algorithms developed to predict the effect of missense changes on protein structure and function (SIFT, PolyPhen-2, Align-GVGD) all suggest that this variant is likely to be disruptive. ClinVar contains an entry for this variant (Variation ID: 225150). This missense change has been observed in individual(s) with tooth agenesis (PMID: 26963285). This variant is not present in population databases (gnomAD no frequency). This sequence change replaces proline, which is neutral and non-polar, with leucine, which is neutral and non-polar, at codon 469 of the LRP6 protein (p.Pro469Leu).

Blueprint Genetics
Classification: Likely pathogenic for LRP6-related disorders. Last evaluated: 2020-01-20. Review status: criteria provided, single submitter. Criteria: ACMG Guidelines, 2015. Collection method: clinical testing. Allele origin: germline. Affected: yes. Observed: 1 variant allele.

Lupski Lab, Baylor-Hopkins CMG, Baylor College of Medicine
Classification: Likely pathogenic for Tooth agenesis. Last evaluated: 2016-03-10. Review status: criteria provided, single submitter. Criteria: Liang et al (Eur J Oral Sci 2012). Collection method: research. Allele origin: de novo. Inheritance: Autosomal dominant inheritance. Affected: yes. Observed: 1 variant allele, 1 heterozygote.

Department of Prosthodontics, Peking University School and Hospital of Stomatology
Classification: Pathogenic for Tooth agenesis, selective, 7. Last evaluated: 2021-02-19. Review status: no assertion criteria provided. Collection method: clinical testing. Allele origin: inherited. Affected: yes. Not counted in ClinVar's aggregate classification.

Literature cited by the submitters: PubMed 26963285 (cited by Labcorp Genetics (formerly Invitae), Labcorp and Lupski Lab, Baylor-Hopkins CMG, Baylor College of Medicine).

NM_002336.3(LRP6):c.1406C>T (p.Pro469Leu)

Gene: LRP6 (LDL receptor related protein 6; minus strand). Cytogenetic location: 12p13.2.
Variant type: single nucleotide variant.
Coding change: c.1406C>T on transcript NM_002336.3 (MANE Select); coding-DNA position 1406, C replaced by T.
Protein change: p.Pro469Leu; replaces proline 469 with leucine.
Molecular consequence: missense variant.
Genome position (GRCh38, 1-based): chr12:12,179,949, G>A on the plus strand (C>T on the coding strand, the complement: LRP6 is on the minus strand). VCF-style: chr12-12179949-G-A. GRCh37 (hg19) VCF-style: chr12-12332883-G-A.
Other names: short protein forms P469L.
Identifiers: ClinVar variation 225150 (VCV000225150.10), dbSNP rs869320638, ClinGen allele CA358759.